The following is an entry in ClinVar:

ClinVar aggregate classification (germline): Likely benign (1 of 4 stars; one submission).

gnomAD v4.1: 158 of 152,328 alleles (0.1%); highest among the groups gnomAD compares: Middle Eastern, 0.34%; no homozygotes.

Submission:

CeGaT Center for Human Genetics Tuebingen
Classification: Likely benign. Last evaluated: 2026-09-01. Review status: criteria provided, single submitter. Criteria: CeGaT Center For Human Genetics Tuebingen Variant Classification Criteria Version 2. Collection method: clinical testing. Allele origin: germline. Affected: yes. Observed: 6 variant alleles.
Comment: FGFR1: BS1

NM_023110.3(FGFR1):c.-88-3886G>A

Gene: FGFR1 (fibroblast growth factor receptor 1; minus strand). Cytogenetic location: 8p11.23.
Variant type: single nucleotide variant.
Coding change: c.-88-3886G>A on transcript NM_023110.3 (MANE Select); 3886 bases into the intron before 88 bases upstream of the start codon, G replaced by A.
Molecular consequence: intron variant.
Genome position (GRCh38, 1-based): chr8:38,461,420, C>T on the plus strand (G>A on the coding strand, the complement: FGFR1 is on the minus strand). VCF-style: chr8-38461420-C-T. GRCh37 (hg19) VCF-style: chr8-38318938-C-T.
Other names: c.-88-3886G>A (NM_001354368.2, NM_001354370.2, NM_023106.3 and 8 more transcripts); c.-180-3886G>A (NM_001174064.2); c.-149-165G>A (NM_001174067.2).
Identifiers: ClinVar variation 3388432 (VCV003388432.14).
Genomic context (GRCh38, chr8:38,461,420, plus strand): 5'-AGTGTTGCTCTGTCACCCAAGCTAGAGTGCAGTGGCACGATCTCAACTCACTACAACCTC[C>T]ATCCCCCAGACTCAAGTGATCCTCCCACCTCAGCCTCCCGAGAAGCTGGGCTAATTTTCT-3'